The following is an entry in ClinVar:

NM_001184880.2(PCDH19):c.79T>A (p.Tyr27Asn)

Gene: PCDH19 (protocadherin 19; minus strand). Cytogenetic location: Xq22.1.
Variant type: single nucleotide variant.
Coding change: c.79T>A on transcript NM_001184880.2 (MANE Select); coding-DNA position 79, T replaced by A.
Protein change: p.Tyr27Asn; replaces tyrosine 27 with asparagine.
Molecular consequence: missense variant.
Genome position (GRCh38, 1-based): chrX:100,408,519, A>T on the plus strand (T>A on the coding strand, the complement: PCDH19 is on the minus strand). VCF-style: chrX-100408519-A-T. GRCh37 (hg19) VCF-style: chrX-99663517-A-T.
Other names: c.79T>A, p.Tyr27Asn (NM_001105243.2, NM_020766.3); short protein forms Y27N.
Identifiers: ClinVar variation 1044043 (VCV001044043.9), dbSNP rs1928481376, ClinGen allele CA414011423.

ClinVar aggregate classification (germline): Uncertain significance (1 of 4 stars; one submission).

Conditions:
Developmental and epileptic encephalopathy, 9 (DEE9). Also called: Early infantile epileptic encephalopathy 9; JUBERG-HELLMAN SYNDROME; EPILEPSY, FEMALE-RESTRICTED, WITH MENTAL RETARDATION; PCDH19-Related X-Linked Female-Limited Epilepsy with Mental Retardation. Identifiers: Orphanet 101039, Orphanet 2076, MedGen C1848137, MONDO:0010246, OMIM 300088. Disease mechanism: loss of function.

Submission:

Labcorp Genetics (formerly Invitae), Labcorp
Classification: Uncertain significance for Developmental and epileptic encephalopathy, 9. Last evaluated: 2020-06-27. Review status: criteria provided, single submitter. Criteria: Invitae Variant Classification Sherloc (09022015). Collection method: clinical testing. Allele origin: germline.
Comment: In summary, the available evidence is currently insufficient to determine the role of this variant in disease. Therefore, it has been classified as a Variant of Uncertain Significance. Algorithms developed to predict the effect of missense changes on protein structure and function are either unavailable or do not agree on the potential impact of this missense change (SIFT: "Deleterious"; PolyPhen-2: "Probably Damaging"; Align-GVGD: "Class C0"). This variant has not been reported in the literature in individuals with PCDH19-related conditions. This variant is not present in population databases (ExAC no frequency). This sequence change replaces tyrosine with asparagine at codon 27 of the PCDH19 protein (p.Tyr27Asn). The tyrosine residue is highly conserved and there is a large physicochemical difference between tyrosine and asparagine.